The following is an entry in ClinVar:

NM_004360.5(CDH1):c.114G>A (p.Thr38=)

Gene: CDH1 (cadherin 1; plus strand). Cytogenetic location: 16q22.1.
Variant type: single nucleotide variant.
Coding change: c.114G>A on transcript NM_004360.5 (MANE Select); coding-DNA position 114, G replaced by A.
Protein change: p.Thr38=; no amino-acid change (threonine 38 retained).
Molecular consequence: synonymous variant. On other transcripts: 5 prime UTR variant (2).
Genome position (GRCh38, 1-based): chr16:68,738,362, G>A. VCF-style: chr16-68738362-G-A. GRCh37 (hg19) VCF-style: chr16-68772265-G-A.
Other names: c.114G>A (LRG_301t1); c.114G>A, p.Thr38= (NM_001317184.2); c.-1502G>A (NM_001317185.2); c.-1706G>A (NM_001317186.2).
Identifiers: ClinVar variation 184799 (VCV000184799.16), dbSNP rs786201492, ClinGen allele CA190080.

ClinVar aggregate classification (germline): Benign/Likely benign. Review status: criteria provided, multiple submitters, no conflicts (2 of 4 stars). 4 submissions from 4 submitters: Benign (1); Likely benign (3). Last evaluated 2025-04-01.

Conditions:
Hereditary cancer-predisposing syndrome. Also called: Tumor predisposition; Hereditary Cancer Syndrome; Hereditary neoplastic syndrome; Neoplastic Syndromes, Hereditary. Identifiers: Orphanet 140162, MedGen C0027672, MeSH D009386, MONDO:0015356.
Hereditary diffuse gastric adenocarcinoma (HDGC). Also called: DIFFUSE GASTRIC AND LOBULAR BREAST CANCER SYNDROME. Identifiers: Orphanet 26106, MedGen C1708349, MONDO:0007648, OMIM 137215.

gnomAD v4.1: 1 of 1,551,154 alleles (0.000064%); highest among the groups gnomAD compares: South Asian, 0.0012%; no homozygotes.

Submissions (4):

Labcorp Genetics (formerly Invitae), Labcorp
Classification: Likely benign for Hereditary diffuse gastric adenocarcinoma. Last evaluated: 2025-04-01. Review status: criteria provided, single submitter. Criteria: Invitae Variant Classification Sherloc (09022015). Collection method: clinical testing. Allele origin: germline.

Myriad Genetics, Inc.
Classification: Benign for Hereditary diffuse gastric adenocarcinoma. Last evaluated: 2024-09-11. Review status: criteria provided, single submitter. Criteria: Myriad Autosomal Dominant, Autosomal Recessive and X-Linked Classification Criteria (2023). Collection method: clinical testing. Allele origin: unknown.
Comment: This variant is considered benign. This variant is a silent/synonymous amino acid change and it is not expected to impact splicing.

Ambry Genetics
Classification: Likely benign for Hereditary cancer-predisposing syndrome. Last evaluated: 2023-02-24. Review status: criteria provided, single submitter. Criteria: Ambry Variant Classification Scheme 2023. Collection method: clinical testing. Allele origin: germline.

Color Diagnostics, LLC DBA Color Health
Classification: Likely benign for Hereditary cancer-predisposing syndrome. Last evaluated: 2019-10-02. Review status: criteria provided, single submitter. Criteria: ACMG Guidelines, 2015. Collection method: clinical testing. Allele origin: germline.